The following is an entry in ClinVar:

NM_000051.4(ATM):c.2754T>C (p.Phe918=)

Gene: ATM (ATM serine/threonine kinase; plus strand). Cytogenetic location: 11q22.3.
Variant type: single nucleotide variant.
Coding change: c.2754T>C on transcript NM_000051.4 (MANE Select); coding-DNA position 2754, T replaced by C.
Protein change: p.Phe918=; no amino-acid change (phenylalanine 918 retained).
Molecular consequence: synonymous variant.
Genome position (GRCh38, 1-based): chr11:108,268,525, T>C. VCF-style: chr11-108268525-T-C. GRCh37 (hg19) VCF-style: chr11-108139252-T-C.
Other names: c.2754T>C, p.Phe918= (NM_001351834.2).
Identifiers: ClinVar variation 797266 (VCV000797266.21), dbSNP rs758955717, ClinGen allele CA476673921.

ClinVar aggregate classification (germline): Benign/Likely benign. Review status: criteria provided, multiple submitters, no conflicts (2 of 4 stars). 4 submissions from 4 submitters: Benign (1); Likely benign (2). 1 of the submissions does not count toward it. Last evaluated 2025-07-02.

Conditions:
Ataxia-telangiectasia syndrome (AT). Also called: Ataxia-telangiectasia, complementation group E; Ataxia-telangiectasia, complementation group D; Ataxia telangiectasia (A-T); LOUIS-BAR SYNDROME; ATAXIA-TELANGIECTASIA, COMPLEMENTATION GROUP A; ATAXIA-TELANGIECTASIA, FRESNO VARIANT. Identifiers: Orphanet 100, MedGen C0004135, MONDO:0008840, OMIM 208900.
Hereditary cancer-predisposing syndrome. Also called: Neoplastic Syndromes, Hereditary; Hereditary Cancer Syndrome; Tumor predisposition; Hereditary neoplastic syndrome. Identifiers: Orphanet 140162, MedGen C0027672, MeSH D009386, MONDO:0015356.
Familial cancer of breast. Also called: BREAST CANCER, FAMILIAL; Hereditary breast cancer; hereditary breast carcinoma. Identifiers: Orphanet 227535, MedGen C0346153, MONDO:0016419, OMIM 114480. Disease mechanism: loss of function.

Allele frequency attached by ClinVar (database versions not stated): gnomAD exomes below 0.00001.
gnomAD v4.1: 1 of 1,614,112 alleles (0.000062%); highest among the groups gnomAD compares: Non-Finnish European, 0.000085%; no homozygotes.

Submissions (4):

Labcorp Genetics (formerly Invitae), Labcorp
Classification: Likely benign for Ataxia-telangiectasia syndrome. Last evaluated: 2025-07-02. Review status: criteria provided, single submitter. Criteria: Invitae Variant Classification Sherloc (09022015). Collection method: clinical testing. Allele origin: germline.

Myriad Genetics, Inc.
Classification: Benign for Familial cancer of breast. Last evaluated: 2024-05-10. Review status: criteria provided, single submitter. Criteria: Myriad Autosomal Dominant, Autosomal Recessive and X-Linked Classification Criteria (2023). Collection method: clinical testing. Allele origin: unknown.
Comment: This variant is considered benign. This variant is a silent/synonymous amino acid change and it is not expected to impact splicing.

Ambry Genetics
Classification: Likely benign for Hereditary cancer-predisposing syndrome. Last evaluated: 2018-01-30. Review status: criteria provided, single submitter. Criteria: Ambry Variant Classification Scheme 2023. Collection method: clinical testing. Allele origin: germline.

Natera, Inc.
Classification: Likely benign for Ataxia-telangiectasia. Last evaluated: 2020-01-31. Review status: no assertion criteria provided. Collection method: clinical testing. Allele origin: germline. Not counted in ClinVar's aggregate classification.